The following is an entry in ClinVar:

NM_001329943.3(KIAA0586):c.2810del (p.Asn937fs)

Gene: KIAA0586 (KIAA0586; plus strand). Cytogenetic location: 14q23.1.
Variant type: Deletion.
Coding change: c.2810del on transcript NM_001329943.3 (MANE Select); coding-DNA position 2810, one base deleted (A; older notation c.2810delA).
Protein change: p.Asn937fs; shifts the reading frame from asparagine 937.
Molecular consequence: frameshift variant.
Genome position (GRCh38, 1-based): chr14:58,474,782, A deleted; the last of 4 consecutive A bases (chr14:58,474,779-58,474,782); deleting any one gives the same sequence. VCF-style (leftmost placement, unchanged base first): chr14-58474778-GA-G. GRCh37 (hg19) VCF-style: chr14-58941496-GA-G.
Other names: c.2969del, p.Asn990fs (NM_001244189.2); c.2765del, p.Asn922fs (NM_001244190.2); c.2555del, p.Asn852fs (NM_001244191.2, NM_001329945.2, NM_001364700.1 and 1 more transcripts); c.2678del, p.Asn893fs (NM_001244192.2); c.2390del, p.Asn797fs (NM_001244193.2); c.2810del, p.Asn937fs (NM_001329944.2, NM_001329946.2, NM_001329947.2); c.2582del, p.Asn861fs (NM_014749.5); short protein forms N852fs, N797fs, N861fs, N937fs, N990fs, N893fs, N922fs.
Identifiers: ClinVar variation 2107085 (VCV002107085.4), dbSNP rs2543399761, ClinGen allele CA2580088269.

ClinVar aggregate classification (germline): Pathogenic (1 of 4 stars; one submission).

Conditions:
Short-rib thoracic dysplasia 14 with polydactyly (SRTD14). Identifiers: Orphanet 397715, MedGen C4225286, MONDO:0014688, OMIM 616546.
Joubert syndrome 23 (JBTS23). Identifiers: Orphanet 475, MedGen C4084822, MONDO:0014664, OMIM 616490.

Submission:

Labcorp Genetics (formerly Invitae), Labcorp
Classification: Pathogenic for Joubert syndrome 23; Short-rib thoracic dysplasia 14 with polydactyly. Last evaluated: 2022-03-05. Review status: criteria provided, single submitter. Criteria: Invitae Variant Classification Sherloc (09022015). Collection method: clinical testing. Allele origin: germline.
Comment: For these reasons, this variant has been classified as Pathogenic. This variant has not been reported in the literature in individuals affected with KIAA0586-related conditions. This variant is not present in population databases (gnomAD no frequency). This sequence change creates a premature translational stop signal (p.Asn990Ilefs*3) in the KIAA0586 gene. It is expected to result in an absent or disrupted protein product. Loss-of-function variants in KIAA0586 are known to be pathogenic (PMID: 26096313, 26166481, 26386044).

Literature cited by the submitters: PubMed 26096313; PubMed 26166481; PubMed 26386044.